The following is an entry in ClinVar:

NM_006231.4(POLE):c.1525_1528delinsCCAACA (p.Ala509fs)

Gene: POLE (DNA polymerase epsilon, catalytic subunit; minus strand). Cytogenetic location: 12q24.33.
Variant type: Indel.
Coding change: c.1525_1528delinsCCAACA on transcript NM_006231.4 (MANE Select); coding-DNA positions 1525 to 1528, GCCT replaced by CCAACA.
Protein change: p.Ala509fs; shifts the reading frame from alanine 509.
Molecular consequence: frameshift variant.
Genome position (GRCh38, 1-based): chr12:132,672,785-132,672,788, AGGC replaced by TGTTGG on the plus strand (GCCT replaced by CCAACA on the coding strand, the reverse complement: POLE is on the minus strand). VCF-style: chr12-132672785-AGGC-TGTTGG. GRCh37 (hg19) VCF-style: chr12-133249371-AGGC-TGTTGG.
Other names: short protein forms A509fs.
Identifiers: ClinVar variation 4141229 (VCV004141229.1).

ClinVar aggregate classification (germline): Uncertain significance (1 of 4 stars; one submission).

Conditions:
Hereditary cancer-predisposing syndrome. Also called: Hereditary neoplastic syndrome; Neoplastic Syndromes, Hereditary; Tumor predisposition; Hereditary Cancer Syndrome. Identifiers: Orphanet 140162, MedGen C0027672, MeSH D009386, MONDO:0015356.

Submission:

Ambry Genetics
Classification: Uncertain significance for Hereditary cancer-predisposing syndrome. Last evaluated: 2025-09-09. Review status: criteria provided, single submitter. Criteria: Ambry Variant Classification Scheme 2023. Collection method: clinical testing. Allele origin: germline.
Comment: The c.1525_1528delGCCTinsCCAACA variant, located in coding exon 15 of the POLE gene, results from the deletion of 4 nucleotides and insertion of 6 nucleotides causing a translational frameshift with a predicted alternate stop codon (p.A509Pfs*20). This alteration is expected to result in loss of function by premature protein truncation or nonsense-mediated mRNA decay. Although biallelic loss of function of POLE has been associated with autosomal recessive POLE deficiency, haploinsufficiency of POLE has not been established as a mechanism of disease for POLE-related polymerase proofreading-associated polyposis (PPAP) and POLE-related CMMRD-like syndrome. Based on the supporting evidence, this variant is expected to be causative of POLE deficiency when present along with a second pathogenic variant on the other allele; however, its clinical significance for PPAP and POLE-related CMMRD-like syndrome is unclear.